The following is an entry in ClinVar:

NM_006415.4(SPTLC1):c.758C>A (p.Thr253Asn)

Gene: SPTLC1 (serine palmitoyltransferase long chain base subunit 1; minus strand). Cytogenetic location: 9q22.31.
Variant type: single nucleotide variant.
Coding change: c.758C>A on transcript NM_006415.4 (MANE Select); coding-DNA position 758, C replaced by A.
Protein change: p.Thr253Asn; replaces threonine 253 with asparagine.
Molecular consequence: missense variant.
Genome position (GRCh38, 1-based): chr9:92,055,427, G>T on the plus strand (C>A on the coding strand, the complement: SPTLC1 is on the minus strand). VCF-style: chr9-92055427-G-T. GRCh37 (hg19) VCF-style: chr9-94817709-G-T.
Other names: c.758C>A, p.Thr253Asn (NM_001281303.2); c.392C>A, p.Thr131Asn (NM_001368272.1); c.293C>A, p.Thr98Asn (NM_001368273.1); short protein forms T131N, T253N, T98N.
Identifiers: ClinVar variation 4797234 (VCV004797234.1).

ClinVar aggregate classification (germline): Uncertain significance (1 of 4 stars; one submission).

Conditions:
Hereditary sensory and autonomic neuropathy type 1 (HSAN1). Also called: HSAN 1; HSN Type I; Hereditary Sensory Neuropathy Type I. Identifiers: Orphanet 36386, MedGen C0020071, MONDO:0018213.

gnomAD v4.1: 1 of 1,613,570 alleles (0.000062%); highest among the groups gnomAD compares: East Asian, 0.0022%; no homozygotes.

Submission:

Labcorp Genetics (formerly Invitae), Labcorp
Classification: Uncertain significance for Hereditary sensory and autonomic neuropathy type 1. Last evaluated: 2025-05-08. Review status: criteria provided, single submitter. Criteria: Invitae Variant Classification Sherloc (09022015). Collection method: clinical testing. Allele origin: germline.
Comment: This sequence change replaces threonine, which is neutral and polar, with asparagine, which is neutral and polar, at codon 253 of the SPTLC1 protein (p.Thr253Asn). This variant is not present in population databases (gnomAD no frequency). This variant has not been reported in the literature in individuals affected with SPTLC1-related conditions. Invitae Evidence Modeling of protein sequence and biophysical properties (such as structural, functional, and spatial information, amino acid conservation, physicochemical variation, residue mobility, and thermodynamic stability) indicates that this missense variant is not expected to disrupt SPTLC1 protein function with a negative predictive value of 80%. In summary, the available evidence is currently insufficient to determine the role of this variant in disease. Therefore, it has been classified as a Variant of Uncertain Significance.